The following is an entry in ClinVar:

NM_024496.4(IRF2BPL):c.242T>G (p.Val81Gly)

Genes: IRF2BPL (interferon regulatory factor 2 binding protein like; minus strand), LOC107984638 (uncharacterized LOC107984638; plus strand). Cytogenetic location: 14q24.3.
Variant type: single nucleotide variant.
Coding change: c.242T>G on transcript NM_024496.4 (MANE Select); coding-DNA position 242, T replaced by G.
Protein change: p.Val81Gly; replaces valine 81 with glycine.
Molecular consequence: missense variant. On other transcripts: non-coding transcript variant (3).
Genome position (GRCh38, 1-based): chr14:77,027,551, A>C on the plus strand (T>G on the coding strand, the complement: IRF2BPL is on the minus strand). VCF-style: chr14-77027551-A-C. GRCh37 (hg19) VCF-style: chr14-77493894-A-C.
Other names: short protein forms V81G.
Identifiers: ClinVar variation 4056805 (VCV004056805.1).

ClinVar aggregate classification (germline): Uncertain significance (1 of 4 stars; one submission).

Conditions:
Neurodevelopmental disorder with regression, abnormal movements, loss of speech, and seizures. Identifiers: Orphanet 597623, MedGen C4748127, MONDO:0060759, OMIM 618088.

Submission:

Laboratorio de Genetica e Diagnostico Molecular, Hospital Israelita Albert Einstein
Classification: Uncertain significance for Neurodevelopmental disorder with regression, abnormal movements, loss of speech, and seizures. Last evaluated: 2024-09-05. Review status: criteria provided, single submitter. Criteria: ACMG Guidelines, 2015. Collection method: clinical testing. Allele origin: germline. Affected: yes.
Comment: ACMG classification criteria: PM2 supporting, BP4 supporting